The following is an entry in ClinVar:

ClinVar aggregate classification (germline): Conflicting classifications of pathogenicity. Review status: criteria provided, conflicting classifications (1 of 4 stars). 10 submissions from 10 submitters: Uncertain significance (1); Benign (1); Likely benign (7). 1 of the submissions does not count toward it. Last evaluated 2026-01-05.

Conditions:
TSC2-related disorder. Also called: TSC2-related condition; TSC2-Related Disorders.
Hereditary cancer-predisposing syndrome. Also called: Neoplastic Syndromes, Hereditary; Hereditary neoplastic syndrome; Tumor predisposition; Hereditary Cancer Syndrome. Identifiers: Orphanet 140162, MedGen C0027672, MeSH D009386, MONDO:0015356.
Tuberous sclerosis syndrome (TSC). Also called: Tuberous Sclerosis Complex; Tuberous sclerosis. Identifiers: Orphanet 805, MedGen C0041341, MONDO:0001734.
Tuberous sclerosis 2 (TSC2). Identifiers: Orphanet 805, MedGen C1860707, MONDO:0013199, OMIM 613254.

Allele frequency attached by ClinVar (database versions not stated): gnomAD 0.00003; TOPMed 0.00001; gnomAD exomes 0.00002 and 0.00001; ExAC 0.00001.
gnomAD v4.1: 26 of 1,612,866 alleles (0.0016%); highest among the groups gnomAD compares: African/African-American, 0.0067%; no homozygotes.

Submissions (10):

Labcorp Genetics (formerly Invitae), Labcorp
Classification: Likely benign for Tuberous sclerosis 2. Last evaluated: 2026-01-05. Review status: criteria provided, single submitter. Criteria: Invitae Variant Classification Sherloc (09022015). Collection method: clinical testing. Allele origin: germline.

Myriad Genetics, Inc.
Classification: Benign for Tuberous sclerosis 2. Last evaluated: 2025-05-29. Review status: criteria provided, single submitter. Criteria: Myriad Autosomal Dominant, Autosomal Recessive and X-Linked Classification Criteria (2023). Collection method: clinical testing. Allele origin: unknown.
Comment: This variant is considered benign. This variant is a silent/synonymous amino acid change and it is not expected to impact splicing.

All of Us Research Program, National Institutes of Health
Classification: Likely benign for Tuberous sclerosis syndrome. Last evaluated: 2024-01-11. Review status: criteria provided, single submitter. Criteria: ACMG Guidelines, 2015. Collection method: clinical testing. Allele origin: germline. Inheritance: Autosomal dominant inheritance. Observed: 6 variant alleles, 6 heterozygotes.
Comment: This study involves interpretation of variants in research participants for the purpose of population health screening. Participant phenotype was not available at the time of variant classification. Additional details can be found in publication PMID: 35346344, PMCID: PMC8962531

Color Diagnostics, LLC DBA Color Health
Classification: Likely benign for Tuberous sclerosis syndrome. Last evaluated: 2022-10-02. Review status: criteria provided, single submitter. Criteria: ACMG Guidelines, 2015. Collection method: clinical testing. Allele origin: germline.

Sema4
Classification: Likely benign for Hereditary cancer-predisposing syndrome. Last evaluated: 2021-11-24. Review status: criteria provided, single submitter. Criteria: Sema4 Curation Guidelines. Collection method: curation. Allele origin: germline.

Genome-Nilou Lab
Classification: Likely benign for Tuberous sclerosis 2. Last evaluated: 2021-11-07. Review status: criteria provided, single submitter. Criteria: ACMG Guidelines, 2015. Collection method: clinical testing. Allele origin: germline. Affected: no.

Illumina Laboratory Services, Illumina
Classification: Uncertain significance for Tuberous sclerosis syndrome. Last evaluated: 2018-01-12. Review status: criteria provided, single submitter. Criteria: ICSL Variant Classification Criteria 13 December 2019. Collection method: clinical testing. Allele origin: germline.

Ambry Genetics
Classification: Likely benign for Hereditary cancer-predisposing syndrome. Last evaluated: 2016-10-03. Review status: criteria provided, single submitter. Criteria: Ambry Variant Classification Scheme 2023. Collection method: clinical testing. Allele origin: germline.

GeneDx
Classification: Likely benign. Last evaluated: 2015-11-05. Review status: criteria provided, single submitter. Criteria: GeneDx Variant Classification (06012015). Collection method: clinical testing. Allele origin: germline. Affected: yes.
Comment: This variant is considered likely benign or benign based on one or more of the following criteria: it is a conservative change, it occurs at a poorly conserved position in the protein, it is predicted to be benign by multiple in silico algorithms, and/or has population frequency not consistent with disease.

PreventionGenetics, part of Exact Sciences
Classification: Likely benign for TSC2-related condition. Last evaluated: 2019-04-11. Review status: no assertion criteria provided. Collection method: clinical testing. Allele origin: germline. Not counted in ClinVar's aggregate classification.
Comment: This variant is classified as likely benign based on ACMG/AMP sequence variant interpretation guidelines (Richards et al. 2015 PMID: 25741868, with internal and published modifications).

NM_000548.5(TSC2):c.3492G>A (p.Ala1164=)

Gene: TSC2 (TSC complex subunit 2; plus strand). Cytogenetic location: 16p13.3.
Variant type: single nucleotide variant.
Coding change: c.3492G>A on transcript NM_000548.5 (MANE Select); coding-DNA position 3492, G replaced by A.
Protein change: p.Ala1164=; no amino-acid change (alanine 1164 retained).
Molecular consequence: synonymous variant.
Genome position (GRCh38, 1-based): chr16:2,080,259, G>A. VCF-style: chr16-2080259-G-A. GRCh37 (hg19) VCF-style: chr16-2130260-G-A.
Other names: c.3492G>A (NM_000548.4); c.3360G>A, p.Ala1120= (NM_001077183.3, NM_001370404.1); c.3492G>A, p.Ala1164= (NM_001114382.3); c.3252G>A, p.Ala1084= (NM_001318827.2); c.3216G>A, p.Ala1072= (NM_001318829.2); c.2760G>A, p.Ala920= (NM_001318831.2); c.3393G>A, p.Ala1131= (NM_001318832.2); c.3363G>A, p.Ala1121= (NM_001363528.2, NM_001370405.1, NM_021055.3).
Identifiers: ClinVar variation 318327 (VCV000318327.28), dbSNP rs769562717, ClinGen allele CA047189.